The following is an entry in ClinVar:

ClinVar aggregate classification (germline): Uncertain significance. Review status: criteria provided, multiple submitters, no conflicts (2 of 4 stars). 5 submissions from 5 submitters: Uncertain significance (5). Last evaluated 2026-08-01.

Conditions:
Developmental and epileptic encephalopathy, 50 (DEE50). Also called: Epileptic encephalopathy, early infantile, 50. Identifiers: Orphanet 448010, MedGen C4225320, MONDO:0014647, OMIM 616457.

Allele frequency attached by ClinVar (database versions not stated): gnomAD 0.00003 and 0.00005; gnomAD exomes 0.00003 and 0.00006; TOPMed 0.00005; ExAC 0.00006; ESP Exome Variant Server 0.00015.
gnomAD v4.1: 56 of 1,614,004 alleles (0.0035%); highest among the groups gnomAD compares: African/African-American, 0.0053%; no homozygotes.

Submissions (5):

CeGaT Center for Human Genetics Tuebingen
Classification: Uncertain significance. Last evaluated: 2026-08-01. Review status: criteria provided, single submitter. Criteria: CeGaT Center For Human Genetics Tuebingen Variant Classification Criteria Version 2. Collection method: clinical testing. Allele origin: germline. Affected: yes. Observed: 1 variant allele.
Comment: CAD: PM2

Dasa
Classification: Uncertain significance for Developmental and epileptic encephalopathy, 50. Last evaluated: 2025-05-10. Review status: criteria provided, single submitter. Criteria: DASA Assertion Criteria. Collection method: clinical testing. Allele origin: germline.
Comment: NM_004341.5(CAD):c.4471G>A (p.Ala1491Thr) is a missense variant that results in the substitution of alanine with threonine. This variant is rare in population databases. Computational prediction algorithms are consistent with a benign effect. The currently available literature and clinical evidence are not sufficient to establish a definitive association between this variant and the reported condition. Therefore, this variant is classified as a variant of uncertain significance.

Labcorp Genetics (formerly Invitae), Labcorp
Classification: Uncertain significance. Last evaluated: 2024-01-24. Review status: criteria provided, single submitter. Criteria: Invitae Variant Classification Sherloc (09022015). Collection method: clinical testing. Allele origin: germline.
Comment: This sequence change replaces alanine, which is neutral and non-polar, with threonine, which is neutral and polar, at codon 1491 of the CAD protein (p.Ala1491Thr). This variant is present in population databases (rs138928198, gnomAD 0.01%). This variant has not been reported in the literature in individuals affected with CAD-related conditions. ClinVar contains an entry for this variant (Variation ID: 1450827). An algorithm developed to predict the effect of missense changes on protein structure and function (PolyPhen-2) suggests that this variant is likely to be disruptive. In summary, the available evidence is currently insufficient to determine the role of this variant in disease. Therefore, it has been classified as a Variant of Uncertain Significance.

Mayo Clinic Laboratories, Mayo Clinic
Classification: Uncertain significance. Last evaluated: 2023-03-08. Review status: criteria provided, single submitter. Criteria: ACMG Guidelines, 2015. Collection method: clinical testing. Allele origin: germline. Observed: 1 variant allele.
Comment: PP2, PM2

Blueprint Genetics
Classification: Uncertain significance. Last evaluated: 2022-11-09. Review status: criteria provided, single submitter. Criteria: ACMG Guidelines, 2015. Collection method: clinical testing. Allele origin: germline.

NM_004341.5(CAD):c.4471G>A (p.Ala1491Thr)

Gene: CAD (carbamoyl-phosphate synthetase 2, aspartate transcarbamylase, and dihydroorotase; plus strand). Cytogenetic location: 2p23.3.
Variant type: single nucleotide variant.
Coding change: c.4471G>A on transcript NM_004341.5 (MANE Select); coding-DNA position 4471, G replaced by A.
Protein change: p.Ala1491Thr; replaces alanine 1491 with threonine.
Molecular consequence: missense variant.
Genome position (GRCh38, 1-based): chr2:27,237,453, G>A. VCF-style: chr2-27237453-G-A. GRCh37 (hg19) VCF-style: chr2-27460321-G-A.
Other names: p.Ala1491Thr; c.4282G>A, p.Ala1428Thr (NM_001306079.2); short protein forms A1428T, A1491T.
Identifiers: ClinVar variation 1450827 (VCV001450827.11), dbSNP rs138928198, ClinGen allele CA1573535.